The following is an entry in ClinVar:

NM_004795.4(KL):c.2879A>T (p.Glu960Val)

Gene: KL (klotho; plus strand). Cytogenetic location: 13q13.1.
Variant type: single nucleotide variant.
Coding change: c.2879A>T on transcript NM_004795.4 (MANE Select); coding-DNA position 2879, A replaced by T.
Protein change: p.Glu960Val; replaces glutamic acid 960 with valine.
Molecular consequence: missense variant.
Genome position (GRCh38, 1-based): chr13:33,064,026, A>T. VCF-style: chr13-33064026-A-T. GRCh37 (hg19) VCF-style: chr13-33638163-A-T.
Other names: short protein forms E960V.
Identifiers: ClinVar variation 3697986 (VCV003697986.2).
Genomic context (GRCh38, chr13:33,064,026, plus strand): 5'-CCATGAAACATTACAGGAAAATTATTGACAGCAATGGTTTCCCGGGCCCAGAAACTCTGG[A>T]AAGATTTTGTCCAGAAGAATTCACCGTGTGTACTGAGTGCAGTTTTTTTCACACCCGAAA-3'
Protein context (NP_004786.2, residues 950-970): SNGFPGPETL[Glu960Val]RFCPEEFTVC

ClinVar aggregate classification (germline): Uncertain significance (1 of 4 stars; one submission).

Submission:

Labcorp Genetics (formerly Invitae), Labcorp
Classification: Uncertain significance. Last evaluated: 2024-10-21. Review status: criteria provided, single submitter. Criteria: Invitae Variant Classification Sherloc (09022015). Collection method: clinical testing. Allele origin: germline.
Comment: This sequence change replaces glutamic acid, which is acidic and polar, with valine, which is neutral and non-polar, at codon 960 of the KL protein (p.Glu960Val). This variant is not present in population databases (gnomAD no frequency). This variant has not been reported in the literature in individuals affected with KL-related conditions. Invitae Evidence Modeling of protein sequence and biophysical properties (such as structural, functional, and spatial information, amino acid conservation, physicochemical variation, residue mobility, and thermodynamic stability) indicates that this missense variant is not expected to disrupt KL protein function with a negative predictive value of 80%. Algorithms developed to predict the effect of sequence changes on RNA splicing suggest that this variant may create or strengthen a splice site. In summary, the available evidence is currently insufficient to determine the role of this variant in disease. Therefore, it has been classified as a Variant of Uncertain Significance.